The following is an entry in ClinVar:

NM_002691.4(POLD1):c.970+3C>T

Gene: POLD1 (DNA polymerase delta 1, catalytic subunit; plus strand). Cytogenetic location: 19q13.33.
Variant type: single nucleotide variant.
Coding change: c.970+3C>T on transcript NM_002691.4 (MANE Select); 3 bases into the intron after coding-DNA position 970, C replaced by T.
Molecular consequence: intron variant.
Genome position (GRCh38, 1-based): chr19:50,402,744, C>T. VCF-style: chr19-50402744-C-T. GRCh37 (hg19) VCF-style: chr19-50906001-C-T.
Other names: c.970+3C>T (NM_001256849.1, NM_001438212.1, NM_001438213.1 and 3 more transcripts).
Identifiers: ClinVar variation 4714308 (VCV004714308.1).
Genomic context (GRCh38, chr19:50,402,744, plus strand): 5'-CAGCGCATTGCGCCCTTGCGCGTGCTCAGCTTCGATATCGAGTGCGCCGGCCGCAAAGGT[C>T]TGTCCCCGGGCCCGGGCTCCTGCCCGCCTCATTGATGTGCCAAGTCGGGGGTCGGAAAGG-3'

ClinVar aggregate classification (germline): Uncertain significance (1 of 4 stars; one submission).

Conditions:
POLD1-related polyposis and colorectal cancer syndrome (CRCS10). Also called: COLORECTAL CANCER, SUSCEPTIBILITY TO, ON CHROMOSOME 19q; Colorectal cancer 10; Colorectal cancer, susceptibility to, 10. Identifiers: Orphanet 220460, MedGen C2675481, MONDO:0012953, OMIM 612591.

Submission:

Labcorp Genetics (formerly Invitae), Labcorp
Classification: Uncertain significance for POLD1-related polyposis and colorectal cancer syndrome. Last evaluated: 2025-03-05. Review status: criteria provided, single submitter. Criteria: Invitae Variant Classification Sherloc (09022015). Collection method: clinical testing. Allele origin: germline.
Comment: This sequence change falls in intron 8 of the POLD1 gene. It does not directly change the encoded amino acid sequence of the POLD1 protein. It affects a nucleotide within the consensus splice site. This variant is not present in population databases (gnomAD no frequency). This variant has not been reported in the literature in individuals affected with POLD1-related conditions. Variants that disrupt the consensus splice site are a relatively common cause of aberrant splicing (PMID: 17576681, 9536098). Algorithms developed to predict the effect of sequence changes on RNA splicing suggest that this variant is not likely to affect RNA splicing. In summary, the available evidence is currently insufficient to determine the role of this variant in disease. Therefore, it has been classified as a Variant of Uncertain Significance.

Literature cited by the submitters: PubMed 17576681; PubMed 9536098.